The following is an entry in ClinVar:

NM_001267550.2(TTN):c.62306C>A (p.Pro20769Gln)

Genes: TTN (titin; minus strand), TTN-AS1 (TTN antisense RNA 1; plus strand). Cytogenetic location: 2q31.2.
Variant type: single nucleotide variant.
Coding change: c.62306C>A on transcript NM_001267550.2 (MANE Select); coding-DNA position 62306, C replaced by A.
Protein change: p.Pro20769Gln; replaces proline 20769 with glutamine.
Molecular consequence: missense variant.
Genome position (GRCh38, 1-based): chr2:178,589,419, G>T on the plus strand (C>A on the coding strand, the complement: TTN is on the minus strand). VCF-style: chr2-178589419-G-T. GRCh37 (hg19) VCF-style: chr2-179454146-G-T.
Other names: p.P19128Q:CCA>CAA; c.57383C>A, p.Pro19128Gln (NM_001256850.1); c.35111C>A, p.Pro11704Gln (NM_003319.4); c.54602C>A, p.Pro18201Gln (NM_133378.4); c.35486C>A, p.Pro11829Gln (NM_133432.3); c.35687C>A, p.Pro11896Gln (NM_133437.4); short protein forms P19128Q, P20769Q, P11704Q, P11896Q, P18201Q, P11829Q.
Identifiers: ClinVar variation 202760 (VCV000202760.4), dbSNP rs772498581, ClinGen allele CA310200.

ClinVar aggregate classification (germline): Uncertain significance. Review status: criteria provided, multiple submitters, no conflicts (2 of 4 stars). 8 submissions from 3 submitters: Uncertain significance (7). 1 of the submissions does not count toward it. Last evaluated 2022-10-13.

Conditions:
Cardiovascular phenotype. Identifiers: MedGen CN230736.
Myopathy, myofibrillar, 9, with early respiratory failure (MFM9). Also called: EDSTROM MYOPATHY; MYOPATHY, PROXIMAL, WITH EARLY RESPIRATORY MUSCLE INVOLVEMENT; Myopathy, distal, with early respiratory failure, autosomal dominant; Hereditary myopathy with early respiratory failure. Identifiers: Orphanet 178464, Orphanet 34521, MedGen C1863599, MONDO:0011362, OMIM 603689.
Early-onset myopathy with fatal cardiomyopathy (CMYO5). Also called: CONGENITAL MYOPATHY 5 WITH CARDIOMYOPATHY; Salih Myopathy. Identifiers: Orphanet 289377, MedGen C2673677, MONDO:0012714, OMIM 611705. Disease mechanism: loss of function.
Tibial muscular dystrophy (TMD). Also called: UDD MYOPATHY; Tibial muscular dystrophy, tardive; Udd Distal Myopathy – Tibial Muscular Dystrophy. Identifiers: Orphanet 609, MedGen C1838244, MONDO:0010870, OMIM 600334.
Dilated cardiomyopathy 1G (CMD1G). Identifiers: Orphanet 154, MedGen C1858763, MONDO:0011400, OMIM 604145.
Autosomal recessive limb-girdle muscular dystrophy type 2J (LGMDR10). Also called: MUSCULAR DYSTROPHY, LIMB-GIRDLE, AUTOSOMAL RECESSIVE 10; Limb-girdle muscular dystrophy, type 2J. Identifiers: Orphanet 140922, MedGen C1837342, MONDO:0012127, OMIM 608807.
Hypertrophic cardiomyopathy 9. Also called: Familial hypertrophic cardiomyopathy 9. Identifiers: MedGen C1861065, MONDO:0013412, OMIM 613765.

Allele frequency attached by ClinVar (database versions not stated): gnomAD 0.00001; gnomAD exomes 0.00001; ExAC 0.00002; TOPMed 0.00003.
gnomAD v4.1: 3 of 1,613,222 alleles (0.00019%); highest among the groups gnomAD compares: African/African-American, 0.0027%; no homozygotes.

Submissions (8):

Baylor Genetics
Classification: Uncertain significance for Early-onset myopathy with fatal cardiomyopathy. Last evaluated: 2022-10-13. Review status: criteria provided, single submitter. Criteria: ACMG Guidelines, 2015. Collection method: clinical testing. Allele origin: unknown.

Baylor Genetics
Classification: Uncertain significance for Tibial muscular dystrophy. Last evaluated: 2022-10-13. Review status: criteria provided, single submitter. Criteria: ACMG Guidelines, 2015. Collection method: clinical testing. Allele origin: unknown.

Baylor Genetics
Classification: Uncertain significance for Autosomal recessive limb-girdle muscular dystrophy type 2J. Last evaluated: 2022-10-13. Review status: criteria provided, single submitter. Criteria: ACMG Guidelines, 2015. Collection method: clinical testing. Allele origin: unknown.

Baylor Genetics
Classification: Uncertain significance for Hypertrophic cardiomyopathy 9. Last evaluated: 2022-10-13. Review status: criteria provided, single submitter. Criteria: ACMG Guidelines, 2015. Collection method: clinical testing. Allele origin: unknown.

Baylor Genetics
Classification: Uncertain significance for Myopathy, myofibrillar, 9, with early respiratory failure. Last evaluated: 2022-10-13. Review status: criteria provided, single submitter. Criteria: ACMG Guidelines, 2015. Collection method: clinical testing. Allele origin: unknown.

Baylor Genetics
Classification: Uncertain significance for Dilated cardiomyopathy 1G. Last evaluated: 2022-10-13. Review status: criteria provided, single submitter. Criteria: ACMG Guidelines, 2015. Collection method: clinical testing. Allele origin: unknown.

Ambry Genetics
Classification: Uncertain significance for Cardiovascular phenotype. Last evaluated: 2020-06-23. Review status: criteria provided, single submitter. Criteria: Ambry Variant Classification Scheme 2023. Collection method: clinical testing. Allele origin: germline.
Comment: The p.P11704Q variant (also known as c.35111C>A), located in coding exon 131 of the TTN gene, results from a C to A substitution at nucleotide position 35111. The proline at codon 11704 is replaced by glutamine, an amino acid with similar properties. This amino acid position is highly conserved in available vertebrate species. In addition, the in silico prediction for this alteration is inconclusive. Since supporting evidence is limited at this time, the clinical significance of this alteration remains unclear.

GeneDx
No classification provided. Last evaluated: 2013-11-18. Review status: no classification provided. Criteria: GeneDx Variant Classification (06012015). Collection method: clinical testing. Allele origin: germline. Affected: yes. Not counted in ClinVar's aggregate classification.
Comment: Missense variants in the TTN gene are considered 'unclassified' if they are not previously reported in the literature and do not have >1% frequency in the population to be considered a polymorphism. Research indicates that truncating mutations in the TTN gene are expected to account for approximately 25% of familial and 18% of sporadic idiopathic DCM; however, truncating variants in the TTN gene have been reported in approximately 3% of reported control alleles. There has been little investigation into non-truncating variants. (Herman D et al. Truncations of titin causing dilated cardiomyopathy. N Eng J Med 366:619-628, 2012) The variant is found in DCM-CRDM panel(s).